The following is an entry in ClinVar:

ClinVar aggregate classification (germline): Uncertain significance (1 of 4 stars; one submission).

Conditions:
Paroxysmal nonkinesigenic dyskinesia. Also called: Paroxysmal non-kinesigenic dyskinesia. Identifiers: Orphanet 98810, MedGen C1869117, MONDO:0700088.

Submission:

Labcorp Genetics (formerly Invitae), Labcorp
Classification: Uncertain significance for Paroxysmal nonkinesigenic dyskinesia. Last evaluated: 2022-10-14. Review status: criteria provided, single submitter. Criteria: Invitae Variant Classification Sherloc (09022015). Collection method: clinical testing. Allele origin: germline.
Comment: This sequence change replaces leucine, which is neutral and non-polar, with methionine, which is neutral and non-polar, at codon 169 of the PNKD protein (p.Leu169Met). This variant is not present in population databases (gnomAD no frequency). This variant has not been reported in the literature in individuals affected with PNKD-related conditions. ClinVar contains an entry for this variant (Variation ID: 1521088). Advanced modeling of protein sequence and biophysical properties (such as structural, functional, and spatial information, amino acid conservation, physicochemical variation, residue mobility, and thermodynamic stability) performed at Invitae indicates that this missense variant is expected to disrupt PNKD protein function. In summary, the available evidence is currently insufficient to determine the role of this variant in disease. Therefore, it has been classified as a Variant of Uncertain Significance.

NM_015488.5(PNKD):c.505C>A (p.Leu169Met)

Genes: CATIP-AS2 (CATIP antisense RNA 2; minus strand), PNKD (PNKD metallo-beta-lactamase domain containing; plus strand). Cytogenetic location: 2q35.
Variant type: single nucleotide variant.
Coding change: c.505C>A on transcript NM_015488.5 (MANE Select); coding-DNA position 505, C replaced by A.
Protein change: p.Leu169Met; replaces leucine 169 with methionine.
Molecular consequence: missense variant.
Genome position (GRCh38, 1-based): chr2:218,340,767, C>A. VCF-style: chr2-218340767-C-A. GRCh37 (hg19) VCF-style: chr2-219205490-C-A.
Other names: c.433C>A, p.Leu145Met (NM_022572.5); short protein forms L145M, L169M.
Identifiers: ClinVar variation 1521088 (VCV001521088.8), dbSNP rs2106294020, ClinGen allele CA350540038.
Genomic context (GRCh38, chr2:218,340,767, plus strand): 5'-CAAACCTCCTCTCTCTCGCAGGCTTCCATTGAAAAGGAAGGGGTCACCTTGGTCGCCATT[C>A]TGTGTACTCACAAGCACTGGTAAGGGGCTCCCGTCTTCCCTGGCCCACCCTTGTCCCAGC-3'
Protein context (NP_056303.3, residues 159-179): EKEGVTLVAI[Leu169Met]CTHKHWDHSG